The following is an entry in ClinVar:

ClinVar aggregate classification (germline): Uncertain significance. Review status: criteria provided, multiple submitters, no conflicts (2 of 4 stars). 2 submissions from 2 submitters: Uncertain significance (2). Last evaluated 2025-08-14.

Conditions:
Inborn genetic diseases. Identifiers: MedGen C0950123, MeSH D030342.

Allele frequency attached by ClinVar (database versions not stated): ExAC 0.00001; gnomAD exomes 0.00001; gnomAD 0.00004 and 0.00005; TOPMed 0.00007.
gnomAD v4.1: 25 of 1,603,768 alleles (0.0016%); highest among the groups gnomAD compares: Admixed American, 0.0069%; no homozygotes.

Submissions (2):

Ambry Genetics
Classification: Uncertain significance for Inborn genetic diseases. Last evaluated: 2025-08-14. Review status: criteria provided, single submitter. Criteria: Ambry Variant Classification Scheme 2023. Collection method: clinical testing. Allele origin: germline.

Labcorp Genetics (formerly Invitae), Labcorp
Classification: Uncertain significance. Last evaluated: 2025-03-31. Review status: criteria provided, single submitter. Criteria: Invitae Variant Classification Sherloc (09022015). Collection method: clinical testing. Allele origin: germline.
Comment: This sequence change replaces serine, which is neutral and polar, with leucine, which is neutral and non-polar, at codon 155 of the TBCK protein (p.Ser155Leu). This variant is present in population databases (rs746213628, gnomAD 0.007%). This variant has not been reported in the literature in individuals affected with TBCK-related conditions. ClinVar contains an entry for this variant (Variation ID: 1398492). Invitae Evidence Modeling of protein sequence and biophysical properties (such as structural, functional, and spatial information, amino acid conservation, physicochemical variation, residue mobility, and thermodynamic stability) indicates that this missense variant is not expected to disrupt TBCK protein function with a negative predictive value of 80%. In summary, the available evidence is currently insufficient to determine the role of this variant in disease. Therefore, it has been classified as a Variant of Uncertain Significance.

NM_001163435.3(TBCK):c.464C>T (p.Ser155Leu)

Gene: TBCK (TBC1 domain containing kinase; minus strand). Cytogenetic location: 4q24.
Variant type: single nucleotide variant.
Coding change: c.464C>T on transcript NM_001163435.3 (MANE Select); coding-DNA position 464, C replaced by T.
Protein change: p.Ser155Leu; replaces serine 155 with leucine.
Molecular consequence: missense variant. On other transcripts: 5 prime UTR variant (1).
Genome position (GRCh38, 1-based): chr4:106,251,999, G>A on the plus strand (C>T on the coding strand, the complement: TBCK is on the minus strand). VCF-style: chr4-106251999-G-A. GRCh37 (hg19) VCF-style: chr4-107173156-G-A.
Other names: c.464C>T, p.Ser155Leu (NM_001163436.4, NM_001163437.3); c.-53C>T (NM_001290768.2); c.275C>T, p.Ser92Leu (NM_033115.5); c.464C>T (NM_001163435.1); short protein forms S155L, S92L.
Identifiers: ClinVar variation 1398492 (VCV001398492.5), dbSNP rs746213628, ClinGen allele CA3035432.